The following is an entry in ClinVar:

NM_000702.4(ATP1A2):c.2284+1G>A

Gene: ATP1A2 (ATPase Na+/K+ transporting subunit alpha 2; plus strand). Cytogenetic location: 1q23.2.
Variant type: single nucleotide variant.
Coding change: c.2284+1G>A on transcript NM_000702.4 (MANE Select); the canonical splice donor site of the intron after coding-DNA position 2284, G replaced by A.
Molecular consequence: splice donor variant.
Genome position (GRCh38, 1-based): chr1:160,135,603, G>A. VCF-style: chr1-160135603-G-A. GRCh37 (hg19) VCF-style: chr1-160105393-G-A.
Identifiers: ClinVar variation 2794810 (VCV002794810.3), dbSNP rs2524887627, ClinGen allele CA343249731.
Genomic context (GRCh38, chr1:160,135,603, plus strand): 5'-CAGCCGACATGATCCTGCTGGATGACAACTTTGCCTCCATCGTCACGGGGGTGGAGGAGG[G>A]TGAGGAGGCTGCATGGGTTGGGATGGTTTGCAGGATACTGAAGCCGGCACCTCTGTTCCC-3'

ClinVar aggregate classification (germline): Likely pathogenic (1 of 4 stars; one submission).

Conditions:
Familial hemiplegic migraine. Identifiers: MedGen C0338484, MONDO:0000700.

Submission:

Labcorp Genetics (formerly Invitae), Labcorp
Classification: Likely pathogenic for Familial hemiplegic migraine. Last evaluated: 2022-12-16. Review status: criteria provided, single submitter. Criteria: Invitae Variant Classification Sherloc (09022015). Collection method: clinical testing. Allele origin: germline.
Comment: This sequence change affects a donor splice site in intron 16 of the ATP1A2 gene. It is expected to disrupt RNA splicing. Variants that disrupt the donor or acceptor splice site typically lead to a loss of protein function (PMID: 16199547), and loss-of-function variants in ATP1A2 are known to be pathogenic (PMID: 30690204). This variant is not present in population databases (gnomAD no frequency). This variant has not been reported in the literature in individuals affected with ATP1A2-related conditions. Algorithms developed to predict the effect of sequence changes on RNA splicing suggest that this variant may disrupt the consensus splice site. In summary, the currently available evidence indicates that the variant is pathogenic, but additional data are needed to prove that conclusively. Therefore, this variant has been classified as Likely Pathogenic.

Literature cited by the submitters: PubMed 16199547; PubMed 30690204.